The following is an entry in ClinVar:

NM_000455.5(STK11):c.*7C>T

Gene: STK11 (serine/threonine kinase 11; plus strand). Cytogenetic location: 19p13.3.
Variant type: single nucleotide variant.
Coding change: c.*7C>T on transcript NM_000455.5 (MANE Select); 7 bases downstream of the stop codon, C replaced by T.
Molecular consequence: 3 prime UTR variant. On other transcripts: non-coding transcript variant (1).
Genome position (GRCh38, 1-based): chr19:1,226,654, C>T. VCF-style: chr19-1226654-C-T. GRCh37 (hg19) VCF-style: chr19-1226653-C-T.
Identifiers: ClinVar variation 3780949 (VCV003780949.2).

ClinVar aggregate classification (germline): Conflicting classifications of pathogenicity. Review status: criteria provided, conflicting classifications (1 of 4 stars). 2 submissions from 2 submitters: Uncertain significance (1); Benign (1). Last evaluated 2025-03-31.

Conditions:
Peutz-Jeghers syndrome (PJS). Also called: POLYPOSIS, HAMARTOMATOUS INTESTINAL; POLYPS-AND-SPOTS SYNDROME; Peutz-Jeghers polyposis; Periorificial lentiginosis syndrome. Identifiers: Orphanet 2869, MedGen C0031269, MeSH D010580, MONDO:0008280, OMIM 175200.
Familial ovarian cancer. Identifiers: MedGen C5679802, MONDO:0016248.

gnomAD v4.1: 6 of 1,514,328 alleles (0.0004%); highest among the groups gnomAD compares: Non-Finnish European, 0.00053%; no homozygotes.

Submissions (2):

Myriad Genetics, Inc.
Classification: Benign for Peutz-Jeghers syndrome. Last evaluated: 2025-03-31. Review status: criteria provided, single submitter. Criteria: Myriad Autosomal Dominant, Autosomal Recessive and X-Linked Classification Criteria (2023). Collection method: clinical testing. Allele origin: unknown.
Comment: This variant is considered benign. This variant occurs in the non-coding 3' untranslated region of the gene, and is not expected to impact protein function.

Department of Pathology and Laboratory Medicine, Sinai Health System
Classification: Uncertain significance for familial ovarian cancer. Last evaluated: 2022-05-19. Review status: criteria provided, single submitter. Criteria: ACMG Guidelines, 2015. Collection method: clinical testing. Allele origin: germline. Affected: yes.